The following is an entry in ClinVar:

ClinVar aggregate classification (germline): Pathogenic. Review status: criteria provided, multiple submitters, no conflicts (2 of 4 stars). 3 submissions from 3 submitters: Pathogenic (3). Last evaluated 2024-06-24.

Conditions:
Hereditary cancer-predisposing syndrome. Also called: Hereditary neoplastic syndrome; Tumor predisposition; Neoplastic Syndromes, Hereditary; Hereditary Cancer Syndrome. Identifiers: Orphanet 140162, MedGen C0027672, MeSH D009386, MONDO:0015356.
Familial adenomatous polyposis 1 (FAP1). Also called: POLYPOSIS, ADENOMATOUS INTESTINAL; FAMILIAL ADENOMATOUS POLYPOSIS 1, ATTENUATED. Identifiers: MedGen C2713442, MONDO:0021056, OMIM 175100. Disease mechanism: loss of function.

Submissions (3):

Ambry Genetics
Classification: Pathogenic for Hereditary cancer-predisposing syndrome. Last evaluated: 2024-06-24. Review status: criteria provided, single submitter. Criteria: Ambry Variant Classification Scheme 2023. Collection method: clinical testing. Allele origin: germline.
Comment: The c.2652dupA pathogenic mutation, located in coding exon 15 of the APC gene, results from a duplication of A at nucleotide position 2652, causing a translational frameshift with a predicted alternate stop codon (p.A885Sfs*27). This alteration occurs at the 3' terminus of theAPC gene, is not expected to trigger nonsense-mediated mRNA decay, and impacts the last 68.9% of the protein. However, premature stop codons are typically deleterious in nature and a significant portion of the protein is affected (Ambry internal data). This variant was reported in an individual with features consistent with APC-associated polyposis conditions (Kerr SE et al. J Mol Diagn, 2013 Jan;15:31-43). This variant is considered to be rare based on population cohorts in the Genome Aggregation Database (gnomAD). Based on the supporting evidence, this variant is interpreted as a disease-causing mutation.

Myriad Genetics, Inc.
Classification: Pathogenic for Familial adenomatous polyposis 1. Last evaluated: 2023-05-04. Review status: criteria provided, single submitter. Criteria: Myriad Autosomal Dominant, Autosomal Recessive and X-Linked Classification Criteria (2023). Collection method: clinical testing. Allele origin: unknown.
Comment: This variant is considered pathogenic. This variant creates a frameshift predicted to result in premature protein truncation.

Labcorp Genetics (formerly Invitae), Labcorp
Classification: Pathogenic for Familial adenomatous polyposis 1. Last evaluated: 2018-06-18. Review status: criteria provided, single submitter. Criteria: Invitae Variant Classification Sherloc (09022015). Collection method: clinical testing. Allele origin: germline.
Comment: This sequence change results in a premature translational stop signal in the APC gene (p.Ala885Serfs*27). While this is not anticipated to result in nonsense mediated decay, it is expected to disrupt the last 1959 amino acids of the APC protein. This variant is not present in population databases (ExAC no frequency). This variant has been observed in an individual affected with familial adenomatous polyposis (PMID: 23159591). Multiple truncating variants downstream of this variant have been determined to be pathogenic (PMID: 8395941, 10646887, 19725996, 1316610, 8162022, 15771908). This suggests that deletion of this region of the APC protein is causative of disease. For these reasons, this variant has been classified as Pathogenic.

Literature cited by the submitters: PubMed 23159591 (cited by Ambry Genetics and Labcorp Genetics (formerly Invitae), Labcorp); PubMed 8395941 (cited by Labcorp Genetics (formerly Invitae), Labcorp); PubMed 10646887 (cited by Labcorp Genetics (formerly Invitae), Labcorp); PubMed 19725996 (cited by Labcorp Genetics (formerly Invitae), Labcorp); PubMed 1316610 (cited by Labcorp Genetics (formerly Invitae), Labcorp); PubMed 8162022 (cited by Labcorp Genetics (formerly Invitae), Labcorp); PubMed 15771908 (cited by Labcorp Genetics (formerly Invitae), Labcorp).

NM_000038.6(APC):c.2652dup (p.Ala885fs)

Gene: APC (APC regulator of Wnt signaling pathway; plus strand). Cytogenetic location: 5q22.2.
Variant type: Duplication.
Coding change: c.2652dup on transcript NM_000038.6 (MANE Select); coding-DNA position 2652, one base duplicated (A; older notation c.2652dupA).
Protein change: p.Ala885fs; shifts the reading frame from alanine 885.
Molecular consequence: frameshift variant.
Genome position (GRCh38, 1-based): chr5:112,838,246, A duplicated. VCF-style (leftmost placement, unchanged base first): chr5-112838245-C-CA. GRCh37 (hg19) VCF-style: chr5-112173942-C-CA.
Other names: c.2652dup, p.Ala885fs (NM_001127510.3, NM_001354895.2); c.2598dup, p.Ala867fs (NM_001127511.3); c.2706dup, p.Ala903fs (NM_001354896.2); c.2682dup, p.Ala895fs (NM_001354897.2); c.2577dup, p.Ala860fs (NM_001354898.2); c.2568dup, p.Ala857fs (NM_001354899.2); c.2529dup, p.Ala844fs (NM_001354900.2); c.2475dup, p.Ala826fs (NM_001354901.2); and 6 more; short protein forms A784fs, A867fs, A885fs, A895fs, A602fs, A794fs, A860fs, A903fs.
Identifiers: ClinVar variation 569959 (VCV000569959.12), dbSNP rs1561578684, ClinGen allele CA891842605.